The following is an entry in ClinVar:

ClinVar aggregate classification (germline): Uncertain significance (1 of 4 stars; one submission).

Allele frequency attached by ClinVar (database versions not stated): gnomAD 0.00001; ExAC 0.00002; TOPMed 0.00003.

Submission:

Athena Diagnostics
Classification: Uncertain significance. Last evaluated: 2023-04-03. Review status: criteria provided, single submitter. Criteria: Athena Diagnostics Criteria. Collection method: clinical testing. Allele origin: unknown.
Comment: Available data are insufficient to determine the clinical significance of the variant at this time. The frequency of this variant in the general population is uninformative in assessment of its pathogenicity. Computational tools yielded predictions that this variant is unlikely to have an effect on normal RNA splicing.

NM_000458.4(HNF1B):c.-8C>G

Gene: HNF1B (HNF1 homeobox B; minus strand). Cytogenetic location: 17q12.
Variant type: single nucleotide variant.
Coding change: c.-8C>G on transcript NM_000458.4 (MANE Select); 8 bases upstream of the start codon, C replaced by G.
Molecular consequence: 5 prime UTR variant.
Genome position (GRCh38, 1-based): chr17:37,744,892, G>C on the plus strand (C>G on the coding strand, the complement: HNF1B is on the minus strand). VCF-style: chr17-37744892-G-C. GRCh37 (hg19) VCF-style: chr17-36104883-G-C.
Other names: c.-8C>G (NM_001165923.4, NM_001304286.2, NM_001411100.1).
Identifiers: ClinVar variation 2684077 (VCV002684077.1), dbSNP rs759438511, ClinGen allele CA8519171.